The following is an entry in ClinVar:

NM_000138.5(FBN1):c.787A>G (p.Ile263Val)

Gene: FBN1 (fibrillin 1; minus strand). Cytogenetic location: 15q21.1.
Variant type: single nucleotide variant.
Coding change: c.787A>G on transcript NM_000138.5 (MANE Select); coding-DNA position 787, A replaced by G.
Protein change: p.Ile263Val; replaces isoleucine 263 with valine.
Molecular consequence: missense variant.
Genome position (GRCh38, 1-based): chr15:48,534,155, T>C on the plus strand (A>G on the coding strand, the complement: FBN1 is on the minus strand). VCF-style: chr15-48534155-T-C. GRCh37 (hg19) VCF-style: chr15-48826352-T-C.
Other names: short protein forms I263V.
Identifiers: ClinVar variation 228687 (VCV000228687.5), dbSNP rs876657811, ClinGen allele CA10576992.

ClinVar aggregate classification (germline): Uncertain significance. Review status: criteria provided, multiple submitters, no conflicts (2 of 4 stars). 2 submissions from 2 submitters: Uncertain significance (2). Last evaluated 2023-05-30.

Conditions:
Marfan syndrome (MFS). Also called: MARFAN SYNDROME, TYPE I; FBN1-Related Marfan Syndrome; Marfan syndrome, classic; Marfan syndrome type 1; Marfan's syndrome. Identifiers: Orphanet 284963, Orphanet 558, MedGen C0024796, MONDO:0007947, OMIM 154700.

Allele frequency attached by ClinVar (database versions not stated): gnomAD exomes below 0.00001; TOPMed below 0.00001.
gnomAD v4.1: 1 of 1,613,780 alleles (0.000062%); highest among the groups gnomAD compares: East Asian, 0.0022%; no homozygotes.

Submissions (2):

All of Us Research Program, National Institutes of Health
Classification: Uncertain significance for Marfan syndrome. Last evaluated: 2023-05-30. Review status: criteria provided, single submitter. Criteria: ACMG Guidelines, 2015. Collection method: clinical testing. Allele origin: germline. Inheritance: Autosomal dominant inheritance. Observed: 1 variant allele, 1 heterozygote.
Comment: This missense variant replaces isoleucine with valine at codon 263 of the FBN1 protein. Computational prediction suggests that this variant may not impact protein structure and function (internally defined REVEL score threshold <= 0.5, PMID: 27666373). To our knowledge, functional studies have not been reported for this variant. This variant has not been reported in individuals affected with FBN1-related disorders in the literature. This variant has not been identified in the general population by the Genome Aggregation Database (gnomAD). The available evidence is insufficient to determine the role of this variant in disease conclusively. Therefore, this variant is classified as a Variant of Uncertain Significance.

This study involves interpretation of variants in research participants for the purpose of population health screening. Participant phenotype was not available at the time of variant classification. Additional details can be found in publication PMID: 35346344, PMCID: PMC8962531

Laboratory for Molecular Medicine, Mass General Brigham Personalized Medicine
Classification: Uncertain significance. Last evaluated: 2015-04-03. Review status: criteria provided, single submitter. Criteria: LMM Criteria. Collection method: clinical testing. Allele origin: germline. Observed: 1 variant allele.
Comment: Variant classified as Uncertain Significance - Favor Benign. The p.Ile263Val var iant in FBN1 has not been previously reported in individuals with connective tis sue disease or in large population studies. Isoleucine (Ile) at position 263 is not conserved in evolutionarily distant species and 2 fish species (Mexican tetr a, lamprey) carry a valine (Val) at this position, raising the possibility that this change may be tolerated. In summary, while the clinical significance of the p.Ile263Val is uncertain, the lack of conservation suggests that it is more lik ely to be benign.